The following is an entry in ClinVar:

ClinVar aggregate classification (germline): Uncertain significance (1 of 4 stars; one submission).

Conditions:
Ehlers-Danlos syndrome, classic type, 1 (EDSCL1). Also called: EHLERS-DANLOS SYNDROME, GRAVIS TYPE; EHLERS-DANLOS SYNDROME, SEVERE CLASSIC TYPE; Ehlers-Danlos syndrome, type 1; Ehlers-Danlos Syndrome, Classic Type, COL5A1-Related; EDS I. Identifiers: MedGen C0268335, MONDO:0019567, OMIM 130000.

gnomAD v4.1: 3 of 1,609,892 alleles (0.00019%); highest among the groups gnomAD compares: Non-Finnish European, 0.00025%; no homozygotes.

Submission:

Labcorp Genetics (formerly Invitae), Labcorp
Classification: Uncertain significance for Ehlers-Danlos syndrome, classic type, 1. Last evaluated: 2025-09-07. Review status: criteria provided, single submitter. Criteria: Invitae Variant Classification Sherloc (09022015). Collection method: clinical testing. Allele origin: germline.
Comment: This sequence change replaces glutamic acid, which is acidic and polar, with lysine, which is basic and polar, at codon 1406 of the COL5A1 protein (p.Glu1406Lys). This variant is present in population databases (no rsID available, gnomAD 0.007%). This variant has not been reported in the literature in individuals affected with COL5A1-related conditions. Invitae Evidence Modeling of protein sequence and biophysical properties (such as structural, functional, and spatial information, amino acid conservation, physicochemical variation, residue mobility, and thermodynamic stability) indicates that this missense variant is not expected to disrupt COL5A1 protein function with a negative predictive value of 80%. In summary, the available evidence is currently insufficient to determine the role of this variant in disease. Therefore, it has been classified as a Variant of Uncertain Significance.

NM_000093.5(COL5A1):c.4216G>A (p.Glu1406Lys)

Gene: COL5A1 (collagen type V alpha 1 chain; plus strand). Cytogenetic location: 9q34.3.
Variant type: single nucleotide variant.
Coding change: c.4216G>A on transcript NM_000093.5 (MANE Select); coding-DNA position 4216, G replaced by A.
Protein change: p.Glu1406Lys; replaces glutamic acid 1406 with lysine.
Molecular consequence: missense variant.
Genome position (GRCh38, 1-based): chr9:134,817,817, G>A. VCF-style: chr9-134817817-G-A. GRCh37 (hg19) VCF-style: chr9-137709663-G-A.
Other names: c.4216G>A, p.Glu1406Lys (NM_001278074.1); short protein forms E1406K.
Identifiers: ClinVar variation 4768064 (VCV004768064.1).